The following is an entry in ClinVar:

ClinVar aggregate classification (germline): Uncertain significance (1 of 4 stars; one submission).

Submission:

GeneDx
Classification: Uncertain significance. Last evaluated: 2023-06-08. Review status: criteria provided, single submitter. Criteria: GeneDx Variant Classification Process June 2021. Collection method: clinical testing. Allele origin: germline. Affected: yes.
Comment: Not observed at significant frequency in large population cohorts (gnomAD); In silico analysis supports that this missense variant has a deleterious effect on protein structure/function; Has not been previously published as pathogenic or benign to our knowledge

NM_001321075.3(DLG4):c.1808A>G (p.Gln603Arg)

Gene: DLG4 (discs large MAGUK scaffold protein 4; minus strand). Cytogenetic location: 17p13.1.
Variant type: single nucleotide variant.
Coding change: c.1808A>G on transcript NM_001321075.3 (MANE Select); coding-DNA position 1808, A replaced by G.
Protein change: p.Gln603Arg; replaces glutamine 603 with arginine.
Molecular consequence: missense variant. On other transcripts: non-coding transcript variant (1).
Genome position (GRCh38, 1-based): chr17:7,193,003, T>C on the plus strand (A>G on the coding strand, the complement: DLG4 is on the minus strand). VCF-style: chr17-7193003-T-C. GRCh37 (hg19) VCF-style: chr17-7096322-T-C.
Other names: c.1799A>G, p.Gln600Arg (NM_001128827.4); c.1928A>G, p.Gln643Arg (NM_001321074.1); c.1628A>G, p.Gln543Arg (NM_001321076.3, NM_001321077.3); c.1937A>G, p.Gln646Arg (NM_001365.5); c.1727A>G, p.Gln576Arg (NM_001369566.3); short protein forms Q543R, Q576R, Q600R, Q603R, Q643R, Q646R.
Identifiers: ClinVar variation 3359684 (VCV003359684.1).